The following is an entry in ClinVar:

NM_000441.2(SLC26A4):c.920C>T (p.Thr307Met)

Gene: SLC26A4 (solute carrier family 26 member 4; plus strand). Cytogenetic location: 7q22.3.
Variant type: single nucleotide variant.
Coding change: c.920C>T on transcript NM_000441.2 (MANE Select); coding-DNA position 920, C replaced by T.
Protein change: p.Thr307Met; replaces threonine 307 with methionine.
Molecular consequence: missense variant.
Genome position (GRCh38, 1-based): chr7:107,683,456, C>T. VCF-style: chr7-107683456-C-T. GRCh37 (hg19) VCF-style: chr7-107323901-C-T.
Other names: short protein forms T307M.
Identifiers: ClinVar variation 667326 (VCV000667326.32), dbSNP rs144691257, ClinGen allele CA4432628.

ClinVar aggregate classification (germline): Conflicting classifications of pathogenicity. Review status: criteria provided, conflicting classifications (1 of 4 stars). 4 submissions from 4 submitters: Likely pathogenic (1); Uncertain significance (3). Last evaluated 2024-11-04.

Allele frequency attached by ClinVar (database versions not stated): gnomAD exomes 0.00004 and 0.00008; ExAC 0.00006; gnomAD 0.00006 and 0.00007; TOPMed 0.00006; ESP Exome Variant Server 0.00008; 1000 Genomes Project 30x 0.00016; 1000 Genomes Project 0.00020.
gnomAD v4.1: 73 of 1,613,474 alleles (0.0045%); highest among the groups gnomAD compares: East Asian, 0.038%; no homozygotes.

Submissions (4):

Blueprint Genetics
Classification: Uncertain significance. Last evaluated: 2024-11-04. Review status: criteria provided, single submitter. Criteria: ACMG Guidelines, 2015. Collection method: clinical testing. Allele origin: germline.

Labcorp Genetics (formerly Invitae), Labcorp
Classification: Uncertain significance. Last evaluated: 2024-06-08. Review status: criteria provided, single submitter. Criteria: Invitae Variant Classification Sherloc (09022015). Collection method: clinical testing. Allele origin: germline.
Comment: This sequence change replaces threonine, which is neutral and polar, with methionine, which is neutral and non-polar, at codon 307 of the SLC26A4 protein (p.Thr307Met). This variant is present in population databases (rs144691257, gnomAD 0.02%). This missense change has been observed in individual(s) with deafness (PMID: 16570074, 18285825, 25788563). ClinVar contains an entry for this variant (Variation ID: 667326). An algorithm developed to predict the effect of missense changes on protein structure and function (PolyPhen-2) suggests that this variant is likely to be disruptive. In summary, the available evidence is currently insufficient to determine the role of this variant in disease. Therefore, it has been classified as a Variant of Uncertain Significance.

CeGaT Center for Human Genetics Tuebingen
Classification: Likely pathogenic. Last evaluated: 2023-10-01. Review status: criteria provided, single submitter. Criteria: CeGaT Center For Human Genetics Tuebingen Variant Classification Criteria Version 2. Collection method: clinical testing. Allele origin: germline. Affected: yes. Observed: 1 variant allele.
Comment: SLC26A4: PM1, PM2, PM3, PM5

Laboratory for Molecular Medicine, Mass General Brigham Personalized Medicine
Classification: Uncertain significance. Last evaluated: 2019-02-14. Review status: criteria provided, single submitter. Criteria: LMM Criteria. Collection method: clinical testing. Allele origin: germline. Observed: 1 variant allele.
Comment: The p.Thr307Met variant in SLC26A4 has been reported in one compound heterozygous individual with nonsyndromic hearing loss and EVA. However, a third variant in SLC26A4 was identified in cis with the p.Thr307Met variant in this patient (Albert 2006). The variant has also been reported in the heterozygous state in three individuals with nonsyndromic hearing loss ( Pera 2008, Du 2014), one of whom also carried a second variant in SLC26A4 in cis with this variant (Pera 2008). The p.Thr307Met has also been identified in 0.023% (7/30604) of South Asian chromosomes by gnomAD. Computational prediction tools and conservation analysis suggest that this variant may impact the protein, though this information is not predictive enough to determine pathogenicity. In summary, the clinical significance of this variant is uncertain. ACMG/AMP Criteria applied: PM2_Supporting, PP3.

Literature cited by the submitters: PubMed 16570074 (cited by Labcorp Genetics (formerly Invitae), Labcorp and Laboratory for Molecular Medicine, Mass General Brigham Personalized Medicine); PubMed 18285825 (cited by Labcorp Genetics (formerly Invitae), Labcorp and Laboratory for Molecular Medicine, Mass General Brigham Personalized Medicine); PubMed 25788563 (cited by Labcorp Genetics (formerly Invitae), Labcorp); PubMed 24804242 (cited by Laboratory for Molecular Medicine, Mass General Brigham Personalized Medicine); PubMed 27771369 (cited by Laboratory for Molecular Medicine, Mass General Brigham Personalized Medicine).